The following is an entry in ClinVar:

NM_001110556.2(FLNA):c.5548C>T (p.His1850Tyr)

Gene: FLNA (filamin A; minus strand). Cytogenetic location: Xq28.
Variant type: single nucleotide variant.
Coding change: c.5548C>T on transcript NM_001110556.2 (MANE Select); coding-DNA position 5548, C replaced by T.
Protein change: p.His1850Tyr; replaces histidine 1850 with tyrosine.
Molecular consequence: missense variant.
Genome position (GRCh38, 1-based): chrX:154,354,160, G>A on the plus strand (C>T on the coding strand, the complement: FLNA is on the minus strand). VCF-style: chrX-154354160-G-A. GRCh37 (hg19) VCF-style: chrX-153582528-G-A.
Other names: c.5524C>T, p.His1842Tyr (NM_001456.4); short protein forms H1842Y, H1850Y.
Identifiers: ClinVar variation 2501456 (VCV002501456.1), dbSNP rs2522726260, ClinGen allele CA415203697.
Genomic context (GRCh38, chrX:154,354,160, plus strand): 5'-TCTCTCTGTGAGGTGGTGGCGGTGGAGTGGGCAGAGGCAGGGCAGGCCCACCTGGGATGT[G>A]CATGTTGTCATAGCGGATGTCCATCTCGTGCAGGCCAGCCTCGCTGGGTGCATACCGCAC-3'
Protein context (NP_001104026.1, residues 1840-1860): HEMDIRYDNM[His1850Tyr]IPGSPLQFYV

ClinVar aggregate classification (germline): Uncertain significance (1 of 4 stars; one submission).

Submission:

GeneDx
Classification: Uncertain significance. Last evaluated: 2022-11-02. Review status: criteria provided, single submitter. Criteria: GeneDx Variant Classification Process June 2021. Collection method: clinical testing. Allele origin: germline. Affected: yes.
Comment: Not observed at significant frequency in large population cohorts (gnomAD); In silico analysis supports that this missense variant has a deleterious effect on protein structure/function; Has not been previously published as pathogenic or benign to our knowledge